The following is an entry in ClinVar:

NM_000465.4(BARD1):c.173G>A (p.Arg58Lys)

Gene: BARD1 (BRCA1 associated RING domain 1; minus strand). Cytogenetic location: 2q35.
Variant type: single nucleotide variant.
Coding change: c.173G>A on transcript NM_000465.4 (MANE Select); coding-DNA position 173, G replaced by A.
Protein change: p.Arg58Lys; replaces arginine 58 with lysine.
Molecular consequence: missense variant. On other transcripts: non-coding transcript variant (2), intron variant (2).
Genome position (GRCh38, 1-based): chr2:214,797,103, C>T on the plus strand (G>A on the coding strand, the complement: BARD1 is on the minus strand). VCF-style: chr2-214797103-C-T. GRCh37 (hg19) VCF-style: chr2-215661827-C-T.
Other names: c.173G>A, p.Arg58Lys (NM_001282545.2, NM_001282549.2); c.158+12309G>A (NM_001282548.2); c.159-4658G>A (NM_001282543.2); short protein forms R58K.
Identifiers: ClinVar variation 406775 (VCV000406775.28), dbSNP rs774009993, ClinGen allele CA2090491.

ClinVar aggregate classification (germline): Conflicting classifications of pathogenicity. Review status: criteria provided, conflicting classifications (1 of 4 stars). 7 submissions from 7 submitters: Uncertain significance (6); Likely benign (1). Last evaluated 2025-11-23.

Conditions:
Hereditary cancer-predisposing syndrome. Also called: Hereditary Cancer Syndrome; Hereditary neoplastic syndrome; Neoplastic Syndromes, Hereditary; Tumor predisposition. Identifiers: Orphanet 140162, MedGen C0027672, MeSH D009386, MONDO:0015356.
Familial cancer of breast. Also called: BREAST CANCER, FAMILIAL; Hereditary breast cancer; hereditary breast carcinoma. Identifiers: Orphanet 227535, MedGen C0346153, MONDO:0016419, OMIM 114480. Disease mechanism: loss of function.

Allele frequency attached by ClinVar (database versions not stated): gnomAD 0.00001; gnomAD exomes 0.00001 and 0.00002; TOPMed 0.00001; ExAC 0.00002.
gnomAD v4.1: 27 of 1,612,918 alleles (0.0017%); highest among the groups gnomAD compares: Non-Finnish European, 0.0023%; no homozygotes.

Submissions (7):

Labcorp Genetics (formerly Invitae), Labcorp
Classification: Uncertain significance for Familial cancer of breast. Last evaluated: 2025-11-23. Review status: criteria provided, single submitter. Criteria: Invitae Variant Classification Sherloc (09022015). Collection method: clinical testing. Allele origin: germline.
Comment: This sequence change replaces arginine, which is basic and polar, with lysine, which is basic and polar, at codon 58 of the BARD1 protein (p.Arg58Lys). This variant is present in population databases (rs774009993, gnomAD 0.002%). This variant has not been reported in the literature in individuals affected with BARD1-related conditions. ClinVar contains an entry for this variant (Variation ID: 406775). An algorithm developed to predict the effect of missense changes on protein structure and function outputs the following: PolyPhen-2: "Benign". The lysine amino acid residue is found in multiple mammalian species, which suggests that this missense change does not adversely affect protein function. In summary, the available evidence is currently insufficient to determine the role of this variant in disease. Therefore, it has been classified as a Variant of Uncertain Significance.

Center for Genomic Medicine, Rigshospitalet, Copenhagen University Hospital
Classification: Uncertain significance. Last evaluated: 2025-03-04. Review status: criteria provided, single submitter. Criteria: ACMG Guidelines, 2015. Collection method: clinical testing. Allele origin: germline.

Ambry Genetics
Classification: Uncertain significance for Hereditary cancer-predisposing syndrome. Last evaluated: 2024-10-08. Review status: criteria provided, single submitter. Criteria: Ambry Variant Classification Scheme 2023. Collection method: clinical testing. Allele origin: germline.

Myriad Genetics, Inc.
Classification: Likely benign for Familial cancer of breast. Last evaluated: 2024-07-18. Review status: criteria provided, single submitter. Criteria: Myriad Autosomal Dominant, Autosomal Recessive and X-Linked Classification Criteria (2023). Collection method: clinical testing. Allele origin: unknown.
Comment: This variant is considered likely benign. This variant is strongly associated with less severe personal and family histories of cancer, typical for individuals without pathogenic variants in this gene [PMID: 25085752].

Baylor Genetics
Classification: Uncertain significance for Familial cancer of breast. Last evaluated: 2023-09-13. Review status: criteria provided, single submitter. Criteria: ACMG Guidelines, 2015. Collection method: clinical testing. Allele origin: unknown.

GeneDx
Classification: Uncertain significance. Last evaluated: 2023-08-23. Review status: criteria provided, single submitter. Criteria: GeneDx Variant Classification Process June 2021. Collection method: clinical testing. Allele origin: germline. Affected: yes.
Comment: Not observed at significant frequency in large population cohorts (gnomAD); In silico analysis supports that this missense variant does not alter protein structure/function; Has not been previously published as pathogenic or benign to our knowledge; This variant is associated with the following publications: (PMID: 18480049)

Color Diagnostics, LLC DBA Color Health
Classification: Uncertain significance for Hereditary cancer-predisposing syndrome. Last evaluated: 2021-01-06. Review status: criteria provided, single submitter. Criteria: ACMG Guidelines, 2015. Collection method: clinical testing. Allele origin: germline.
Comment: This missense variant replaces arginine with lysine at codon 58 of the BARD1 protein. Computational prediction suggests that this variant may not impact protein structure and function (internally defined REVEL score threshold <= 0.5, PMID: 27666373). To our knowledge, functional studies have not been reported for this variant. This variant has not been reported in individuals affected with hereditary cancer in the literature. This variant has been identified in 2/251136 chromosomes in the general population by the Genome Aggregation Database (gnomAD). The available evidence is insufficient to determine the role of this variant in disease conclusively. Therefore, this variant is classified as a Variant of Uncertain Significance.

Literature cited by the submitters: PubMed 25085752 (cited by Myriad Genetics, Inc.).